The following is an entry in ClinVar:

NM_020975.6(RET):c.939G>A (p.Arg313=)

Gene: RET (ret proto-oncogene; plus strand). Cytogenetic location: 10q11.21.
Variant type: single nucleotide variant.
Coding change: c.939G>A on transcript NM_020975.6 (MANE Select); coding-DNA position 939, G replaced by A.
Protein change: p.Arg313=; no amino-acid change (arginine 313 retained).
Molecular consequence: synonymous variant. On other transcripts: intron variant (25).
Genome position (GRCh38, 1-based): chr10:43,106,447, G>A. VCF-style: chr10-43106447-G-A. GRCh37 (hg19) VCF-style: chr10-43601895-G-A.
Other names: c.177G>A, p.Arg59= (NM_001355216.2); c.939G>A, p.Arg313= (NM_001406743.1, NM_001406744.1, NM_001406759.1 and 4 more transcripts); c.810G>A, p.Arg270= (NM_001406761.1, NM_001406762.1, NM_001406764.1 and 1 more transcripts); c.651G>A, p.Arg217= (NM_001406766.1, NM_001406767.1, NM_001406770.1); c.867+1254G>A (NM_001406772.1, NM_001406769.1); c.626-2584G>A (NM_001406773.1, NM_001406771.1); c.625+3818G>A (NM_001406782.1, NM_001406780.1, NM_001406779.1 and 3 more transcripts); c.738+1254G>A (NM_001406774.1); and 5 more.
Identifiers: ClinVar variation 3904560 (VCV003904560.1).
Genomic context (GRCh38, chr10:43,106,447, plus strand): 5'-GGCCACGCTGCGTGTCTTCGATGCAGACGTGGTACCTGCATCAGGGGAGCTGGTGAGGCG[G>A]TACACAAGCACGCTGCTCCCCGGGGACACCTGGGCCCAGCAGACCTTCCGGGTGGAACAC-3'
Protein context (NP_066124.1, residues 303-323): VVPASGELVR[Arg313=]YTSTLLPGDT

ClinVar aggregate classification (germline): Benign (1 of 4 stars; one submission).

Conditions:
Multiple endocrine neoplasia type 2A. Also called: Multiple Endocrine Neoplasia Type 2A (MEN2A); MULTIPLE ENDOCRINE NEOPLASIA, TYPE IIA; PTC SYNDROME; SIPPLE SYNDROME; MEN 2A; MEN-2A syndrome. Identifiers: Orphanet 247698, Orphanet 653, MedGen C0025268, MeSH D018813, MONDO:0008234, OMIM 171400.

Submission:

Myriad Genetics, Inc.
Classification: Benign for Multiple endocrine neoplasia type 2A. Last evaluated: 2025-02-25. Review status: criteria provided, single submitter. Criteria: Myriad Autosomal Dominant, Autosomal Recessive and X-Linked Classification Criteria (2023). Collection method: clinical testing. Allele origin: unknown.
Comment: This variant is considered benign. This variant is a silent/synonymous amino acid change and it is not expected to impact splicing.